The following is an entry in ClinVar:

NM_001367624.2(ZNF469):c.11439C>T (p.Ser3813=)

Gene: ZNF469 (zinc finger protein 469; plus strand). Cytogenetic location: 16q24.2.
Variant type: single nucleotide variant.
Coding change: c.11439C>T on transcript NM_001367624.2 (MANE Select); coding-DNA position 11439, C replaced by T.
Protein change: p.Ser3813=; no amino-acid change (serine 3813 retained).
Molecular consequence: synonymous variant.
Genome position (GRCh38, 1-based): chr16:88,438,909, C>T. VCF-style: chr16-88438909-C-T. GRCh37 (hg19) VCF-style: chr16-88505317-C-T.
Identifiers: ClinVar variation 3768333 (VCV003768333.1).
Genomic context (GRCh38, chr16:88,438,909, plus strand): 5'-AAGGGAAGCTGGTGAGCAGGGGCCCCACGGGAGCCTAGGTCCCAAGGAGAAGGGAGAGAG[C>T]AGTACGAAGAGGAAAAAGGGCCAGGTCCCAGGGCCAGCCAGGAGTGAAAGTGTGGGGAGC-3'
Protein context (NP_001354553.1, residues 3803-3823): GSLGPKEKGE[Ser3813=]STKRKKGQVP

ClinVar aggregate classification (germline): Likely benign (1 of 4 stars; one submission).

Submission:

Women's Health and Genetics/Laboratory Corporation of America, LabCorp
Classification: Likely benign. Last evaluated: 2024-12-03. Review status: criteria provided, single submitter. Criteria: LabCorp Variant Classification Summary - May 2015. Collection method: clinical testing. Allele origin: germline.
Comment: Variant summary: ZNF469 c.11439C>T alters a non-conserved nucleotide resulting in a synonymous change. Consensus agreement among computation tools predict no significant impact on normal splicing. However, these predictions have yet to be confirmed by functional studies. The variant was absent in 153886 control chromosomes. The available data on variant occurrences in the general population are insufficient to allow any conclusion about variant significance. To our knowledge, no occurrence of c.11439C>T in individuals affected with Brittle cornea syndrome 1 and no experimental evidence demonstrating its impact on protein function have been reported. No submitters have cited clinical-significance assessments for this variant to ClinVar. Based on the evidence outlined above, the variant was classified as likely benign.